The following is an entry in ClinVar:

NM_022124.6(CDH23):c.995C>A (p.Thr332Lys)

Gene: CDH23 (cadherin related 23; plus strand). Cytogenetic location: 10q22.1.
Variant type: single nucleotide variant.
Coding change: c.995C>A on transcript NM_022124.6 (MANE Select); coding-DNA position 995, C replaced by A.
Protein change: p.Thr332Lys; replaces threonine 332 with lysine.
Molecular consequence: missense variant.
Genome position (GRCh38, 1-based): chr10:71,617,254, C>A. VCF-style: chr10-71617254-C-A. GRCh37 (hg19) VCF-style: chr10-73377011-C-A.
Other names: c.995C>A, p.Thr332Lys (NM_001171930.2, NM_001171931.2, NM_001171932.2 and 1 more transcripts); short protein forms T332K.
Identifiers: ClinVar variation 1509346 (VCV001509346.6), dbSNP rs376301184, ClinGen allele CA377122164.

ClinVar aggregate classification (germline): Uncertain significance. Review status: criteria provided, multiple submitters, no conflicts (2 of 4 stars). 2 submissions from 2 submitters: Uncertain significance (2). Last evaluated 2024-01-30.

Conditions:
Pituitary adenoma 5, multiple types. Identifiers: MedGen C4539685, MONDO:0054601, OMIM 617540.

gnomAD v4.1: 2 of 1,613,970 alleles (0.00012%); highest among the groups gnomAD compares: East Asian, 0.0045%; no homozygotes.

Submissions (2):

Baylor Genetics
Classification: Uncertain significance for Pituitary adenoma 5, multiple types. Last evaluated: 2024-01-30. Review status: criteria provided, single submitter. Criteria: ACMG Guidelines, 2015. Collection method: clinical testing. Allele origin: unknown.

Labcorp Genetics (formerly Invitae), Labcorp
Classification: Uncertain significance. Last evaluated: 2021-09-01. Review status: criteria provided, single submitter. Criteria: Invitae Variant Classification Sherloc (09022015). Collection method: clinical testing. Allele origin: germline.
Comment: This sequence change replaces threonine with lysine at codon 332 of the CDH23 protein (p.Thr332Lys). The threonine residue is highly conserved and there is a moderate physicochemical difference between threonine and lysine. This variant is not present in population databases (ExAC no frequency). This variant has not been reported in the literature in individuals affected with CDH23-related conditions. Algorithms developed to predict the effect of missense changes on protein structure and function are either unavailable or do not agree on the potential impact of this missense change (SIFT: "Deleterious"; PolyPhen-2: "Not Available"; Align-GVGD: "Class C65"). In summary, the available evidence is currently insufficient to determine the role of this variant in disease. Therefore, it has been classified as a Variant of Uncertain Significance.